The following is an entry in ClinVar:

ClinVar aggregate classification (germline): Uncertain significance (1 of 4 stars; one submission).

gnomAD v4.1: 1 of 1,551,104 alleles (0.000064%); highest among the groups gnomAD compares: Non-Finnish European, 0.000087%; no homozygotes.

Submission:

Labcorp Genetics (formerly Invitae), Labcorp
Classification: Uncertain significance. Last evaluated: 2022-04-10. Review status: criteria provided, single submitter. Criteria: Invitae Variant Classification Sherloc (09022015). Collection method: clinical testing. Allele origin: germline.
Comment: In summary, the available evidence is currently insufficient to determine the role of this variant in disease. Therefore, it has been classified as a Variant of Uncertain Significance. This sequence change replaces lysine, which is basic and polar, with glutamine, which is neutral and polar, at codon 27 of the REPS1 protein (p.Lys27Gln). This variant is not present in population databases (gnomAD no frequency). This variant has not been reported in the literature in individuals affected with REPS1-related conditions. Algorithms developed to predict the effect of missense changes on protein structure and function are either unavailable or do not agree on the potential impact of this missense change (SIFT: "Tolerated"; PolyPhen-2: "Probably Damaging"; Align-GVGD: "Class C0").

NM_001286611.2(REPS1):c.79A>C (p.Lys27Gln)

Gene: REPS1 (RALBP1 associated Eps domain containing 1; minus strand). Cytogenetic location: 6q24.1.
Variant type: single nucleotide variant.
Coding change: c.79A>C on transcript NM_001286611.2 (MANE Select); coding-DNA position 79, A replaced by C.
Protein change: p.Lys27Gln; replaces lysine 27 with glutamine.
Molecular consequence: missense variant.
Genome position (GRCh38, 1-based): chr6:138,987,604, T>G on the plus strand (A>C on the coding strand, the complement: REPS1 is on the minus strand). VCF-style: chr6-138987604-T-G. GRCh37 (hg19) VCF-style: chr6-139308741-T-G.
Other names: c.79A>C, p.Lys27Gln (NM_001128617.3, NM_001286612.2, NM_031922.5); short protein forms K27Q.
Identifiers: ClinVar variation 2118926 (VCV002118926.4), dbSNP rs2483395783, ClinGen allele CA365871775.